The following is an entry in ClinVar:

ClinVar aggregate classification (germline): Uncertain significance (1 of 4 stars; one submission).

Conditions:
Cardiovascular phenotype. Identifiers: MedGen CN230736.

gnomAD v4.1: 1 of 1,611,066 alleles (0.000062%); highest among the groups gnomAD compares: Non-Finnish European, 0.000085%; no homozygotes.

Submission:

Ambry Genetics
Classification: Uncertain significance for Cardiovascular phenotype. Last evaluated: 2024-03-30. Review status: criteria provided, single submitter. Criteria: Ambry Variant Classification Scheme 2023. Collection method: clinical testing. Allele origin: germline.
Comment: The p.E2718Q variant (also known as c.8152G>C), located in coding exon 23 of the TNXB gene, results from a G to C substitution at nucleotide position 8152. The glutamic acid at codon 2718 is replaced by glutamine, an amino acid with highly similar properties. This amino acid position is conserved. In addition, this alteration is predicted to be tolerated by in silico analysis. Based on the available evidence, the clinical significance of this alteration remains unclear.

NM_001365276.2(TNXB):c.8152G>C (p.Glu2718Gln)

Gene: TNXB (tenascin XB; minus strand). Cytogenetic location: 6p21.33.
Variant type: single nucleotide variant.
Coding change: c.8152G>C on transcript NM_001365276.2 (MANE Select); coding-DNA position 8152, G replaced by C.
Protein change: p.Glu2718Gln; replaces glutamic acid 2718 with glutamine.
Molecular consequence: missense variant.
Genome position (GRCh38, 1-based): chr6:32,056,166, C>G on the plus strand (G>C on the coding strand, the complement: TNXB is on the minus strand). VCF-style: chr6-32056166-C-G. GRCh37 (hg19) VCF-style: chr6-32023943-C-G.
Other names: c.8152G>C, p.Glu2718Gln (NM_019105.8); short protein forms E2718Q.
Identifiers: ClinVar variation 3327880 (VCV003327880.1).
Genomic context (GRCh38, chr6:32,056,166, plus strand): 5'-GCGGCTCCTCAGGGGGCTCCGGGGCCTCAGTGCTGAGTTCCGTGGGGCTGGGGGTCTCTT[C>G]CTCTGCAGCTGAGAAAAGGAGATATAGAGAGGATGCCAGGTGCCTGGGGGATGTGCTCAG-3'
Protein context (NP_001352205.1, residues 2708-2728): ISVIGVTAAE[Glu2718Gln]ETPSPTELST